The following is an entry in ClinVar:

NM_001429.4(EP300):c.1539T>C (p.Pro513=)

Gene: EP300 (EP300 lysine acetyltransferase; plus strand). Cytogenetic location: 22q13.2.
Variant type: single nucleotide variant.
Coding change: c.1539T>C on transcript NM_001429.4 (MANE Select); coding-DNA position 1539, T replaced by C.
Protein change: p.Pro513=; no amino-acid change (proline 513 retained).
Molecular consequence: synonymous variant.
Genome position (GRCh38, 1-based): chr22:41,135,823, T>C. VCF-style: chr22-41135823-T-C. GRCh37 (hg19) VCF-style: chr22-41531827-T-C.
Other names: c.1539T>C (NM_001429.3); c.1539T>C, p.Pro513= (NM_001362843.2).
Identifiers: ClinVar variation 1110218 (VCV001110218.13), dbSNP rs377140865, ClinGen allele CA10252545.

ClinVar aggregate classification (germline): Likely benign. Review status: criteria provided, single submitter (1 of 4 stars). 2 submissions from 2 submitters: Likely benign (1). 1 of the submissions does not count toward it. Last evaluated 2024-02-12.

Conditions:
EP300-related disorder. Also called: EP300-related disorders; EP300-related condition.
Rubinstein-Taybi syndrome due to EP300 haploinsufficiency. Also called: RUBINSTEIN-TAYBI SYNDROME 2; EP300-Related Rubinstein-Taybi Syndrome. Identifiers: Orphanet 353284, Orphanet 783, MedGen C3150941, MONDO:0013364, OMIM 613684.

Allele frequency attached by ClinVar (database versions not stated): ExAC 0.00003; gnomAD exomes 0.00003; gnomAD 0.00011 and 0.00013; TOPMed 0.00012; ESP Exome Variant Server 0.00015.
gnomAD v4.1: 30 of 1,613,016 alleles (0.0019%); highest among the groups gnomAD compares: African/African-American, 0.029%; no homozygotes.

Submissions (2):

Labcorp Genetics (formerly Invitae), Labcorp
Classification: Likely benign for Rubinstein-Taybi syndrome due to EP300 haploinsufficiency. Last evaluated: 2024-02-12. Review status: criteria provided, single submitter. Criteria: Invitae Variant Classification Sherloc (09022015). Collection method: clinical testing. Allele origin: germline.

PreventionGenetics, part of Exact Sciences
Classification: Likely benign for EP300-related condition. Last evaluated: 2021-08-10. Review status: no assertion criteria provided. Collection method: clinical testing. Allele origin: germline. Not counted in ClinVar's aggregate classification.
Comment: This variant is classified as likely benign based on ACMG/AMP sequence variant interpretation guidelines (Richards et al. 2015 PMID: 25741868, with internal and published modifications).